The following is an entry in ClinVar:

NM_201384.3(PLEC):c.6255G>A (p.Ala2085=)

Gene: PLEC (plectin; minus strand). Cytogenetic location: 8q24.3.
Variant type: single nucleotide variant.
Coding change: c.6255G>A on transcript NM_201384.3 (MANE Select); coding-DNA position 6255, G replaced by A.
Protein change: p.Ala2085=; no amino-acid change (alanine 2085 retained).
Molecular consequence: synonymous variant.
Genome position (GRCh38, 1-based): chr8:143,923,674, C>T on the plus strand (G>A on the coding strand, the complement: PLEC is on the minus strand). VCF-style: chr8-143923674-C-T. GRCh37 (hg19) VCF-style: chr8-144997842-C-T.
Other names: c.6336G>A, p.Ala2112= (NM_000445.5); c.6213G>A, p.Ala2071= (NM_201378.4); c.6189G>A, p.Ala2063= (NM_201379.3); c.6666G>A, p.Ala2222= (NM_201380.4); c.6159G>A, p.Ala2053= (NM_201381.3); c.6255G>A, p.Ala2085= (NM_201382.4); c.6267G>A, p.Ala2089= (NM_201383.3).
Identifiers: ClinVar variation 1117104 (VCV001117104.8), dbSNP rs147916296, ClinGen allele CA4926065.
Genomic context (GRCh38, chr8:143,923,674, plus strand): 5'-CGCCGCCTCACGCTCCGCCTGCACCCGGGCCTCCTCCGCCTCCTCAGCCGCCCGCCGGGC[C>T]GCCTCCGCCTCGCCGCGCAGCTGGTCCAGCACGCTCTGCTCCTGCTGCAGCGTCTGCTGT-3'
Protein context (NP_958786.1, residues 2075-2095): VLDQLRGEAE[Ala2085=]ARRAAEEAEE

ClinVar aggregate classification (germline): Likely benign. Review status: criteria provided, multiple submitters, no conflicts (2 of 4 stars). 2 submissions from 2 submitters: Likely benign (2). Last evaluated 2026-07-01.

Conditions:
Autosomal recessive limb-girdle muscular dystrophy type 2Q (LGMDR17). Also called: MUSCULAR DYSTROPHY, LIMB-GIRDLE, AUTOSOMAL RECESSIVE 17. Identifiers: Orphanet 254361, MedGen C3150989, MONDO:0013390, OMIM 613723.
Epidermolysis bullosa simplex 5B, with muscular dystrophy (EBS5B). Also called: Epidermolysis bullosa simplex with muscular dystrophy; EPIDERMOLYSIS BULLOSA SIMPLEX AND LIMB-GIRDLE MUSCULAR DYSTROPHY. Identifiers: Orphanet 257, MedGen C2931072, MONDO:0009181, OMIM 226670.
Epidermolysis bullosa simplex, Ogna type (EBS5A). Also called: Pidermolysis bullosa simplex 5A, Ogna type; EPIDERMOLYSIS BULLOSA SIMPLEX 5A, OGNA TYPE. Identifiers: Orphanet 79401, MedGen C0432317, MONDO:0007555, OMIM 131950.
Epidermolysis bullosa simplex with nail dystrophy (EBS5D). Identifiers: MedGen C4225309, MONDO:0014661, OMIM 616487.
Epidermolysis bullosa simplex 5C, with pyloric atresia (EBS5C). Also called: PLEC-Related Epidermolysis Bullosa with Pyloric Atresia; Epidermolysis bullosa simplex with pyloric atresia; PLEC1-Related Epidermolysis Bullosa with Pyloric Atresia. Identifiers: Orphanet 158684, MedGen C2677349, MONDO:0012807, OMIM 612138.

Allele frequency attached by ClinVar (database versions not stated): gnomAD exomes 0.00013; ExAC 0.00026; 1000 Genomes Project 0.00060; 1000 Genomes Project 30x 0.00078.
gnomAD v4.1: 205 of 1,553,202 alleles (0.013%); highest among the groups gnomAD compares: East Asian, 0.37%; no homozygotes.

Submissions (2):

CeGaT Center for Human Genetics Tuebingen
Classification: Likely benign. Last evaluated: 2026-07-01. Review status: criteria provided, single submitter. Criteria: CeGaT Center For Human Genetics Tuebingen Variant Classification Criteria Version 2. Collection method: clinical testing. Allele origin: germline. Affected: yes. Observed: 1 variant allele.
Comment: PLEC: BP4, BP7

Labcorp Genetics (formerly Invitae), Labcorp
Classification: Likely benign for Autosomal recessive limb-girdle muscular dystrophy type 2Q; Epidermolysis bullosa simplex, Ogna type; Epidermolysis bullosa simplex with nail dystrophy; Epidermolysis bullosa simplex 5C, with pyloric atresia; Epidermolysis bullosa simplex 5B, with muscular dystrophy. Last evaluated: 2025-08-18. Review status: criteria provided, single submitter. Criteria: Invitae Variant Classification Sherloc (09022015). Collection method: clinical testing. Allele origin: germline.